The following is an entry in ClinVar:

ClinVar aggregate classification (germline): Uncertain significance (1 of 4 stars; one submission).

Conditions:
HSD3B7-related disorder. Also called: HSD3B7-related condition.

gnomAD v4.1: 8 of 1,614,018 alleles (0.0005%); highest among the groups gnomAD compares: East Asian, 0.0022%; no homozygotes.

Submission:

PreventionGenetics, part of Exact Sciences
Classification: Uncertain significance for HSD3B7-related condition. Last evaluated: 2025-02-05. Review status: criteria provided, single submitter. Criteria: ACMG Guidelines, 2015. Collection method: clinical testing. Allele origin: germline.
Comment: The HSD3B7 c.534C>A variant is not predicted to result in an amino acid change (p.=). This variant is predicted to impact splicing based on splicing prediction programs (SpliceAI, Jaganathan et al. 2019. PubMed ID: 30661751). To our knowledge, this variant has not been reported in the literature. This variant is reported in 0.00088% of alleles in individuals of European (Non-Finnish) descent in gnomAD. At this time, the clinical significance of this variant is uncertain due to the absence of conclusive functional and genetic evidence.

NM_025193.4(HSD3B7):c.534C>A (p.Val178=)

Gene: HSD3B7 (hydroxy-delta-5-steroid dehydrogenase, 3 beta- and steroid delta-isomerase 7; plus strand). Cytogenetic location: 16p11.2.
Variant type: single nucleotide variant.
Coding change: c.534C>A on transcript NM_025193.4 (MANE Select); coding-DNA position 534, C replaced by A.
Protein change: p.Val178=; no amino-acid change (valine 178 retained).
Molecular consequence: synonymous variant. On other transcripts: intron variant (2).
Genome position (GRCh38, 1-based): chr16:30,986,842, C>A. VCF-style: chr16-30986842-C-A. GRCh37 (hg19) VCF-style: chr16-30998163-C-A.
Other names: c.531+138C>A (NM_001142777.2, NM_001142778.2).
Identifiers: ClinVar variation 4978056 (VCV004978056.1).